The following is an entry in ClinVar:

ClinVar aggregate classification (germline): Uncertain significance (1 of 4 stars; one submission).

Submission:

GeneDx
Classification: Uncertain significance. Last evaluated: 2021-02-22. Review status: criteria provided, single submitter. Criteria: GeneDx Variant Classification Process June 2021. Collection method: clinical testing. Allele origin: germline. Affected: yes.
Comment: Nonsense variant predicted to result in protein truncation or nonsense mediated decay in a gene for which loss-of-function is not a known mechanism of disease; Variants in candidate genes are classified as variants of uncertain significance in accordance with ACMG guidelines (Richards et al., 2015); Previously reported as a somatic variant in a patient with a germline NF1 variant and juvenile myelomonocytic leukemia with transformation to acute myeloid leukemia, but has not been reported in the germline, to our knowledge (Stieglitz et al., 2015); This variant is associated with the following publications: (PMID: 26457647)

NM_005475.3(SH2B3):c.772C>T (p.Gln258Ter)

Gene: SH2B3 (SH2B adaptor protein 3; plus strand). Cytogenetic location: 12q24.12.
Variant type: single nucleotide variant.
Coding change: c.772C>T on transcript NM_005475.3 (MANE Select); coding-DNA position 772, C replaced by T.
Protein change: p.Gln258Ter; replaces glutamine 258 with a stop codon.
Molecular consequence: nonsense.
Genome position (GRCh38, 1-based): chr12:111,446,792, C>T. VCF-style: chr12-111446792-C-T. GRCh37 (hg19) VCF-style: chr12-111884596-C-T.
Other names: c.166C>T, p.Gln56Ter (NM_001291424.1); short protein forms Q258*, Q56*.
Identifiers: ClinVar variation 3340696 (VCV003340696.1).